The following is an entry in ClinVar:

ClinVar aggregate classification (germline): Uncertain significance. Review status: criteria provided, multiple submitters, no conflicts (2 of 4 stars). 2 submissions from 2 submitters: Uncertain significance (2). Last evaluated 2024-03-06.

Conditions:
Catecholaminergic polymorphic ventricular tachycardia 1. Also called: VENTRICULAR TACHYCARDIA, CATECHOLAMINERGIC POLYMORPHIC, 1, WITH OR WITHOUT ATRIAL DYSFUNCTION AND/OR DILATED CARDIOMYOPATHY; VENTRICULAR TACHYCARDIA, STRESS-INDUCED POLYMORPHIC 1; RYR2-Related Catecholaminergic Polymorphic Ventricular Tachycardia. Identifiers: Orphanet 3286, MedGen C1631597, MONDO:0011484, OMIM 604772.
Cardiomyopathy (CMYO). Also called: Cardiomyopathies. Identifiers: Orphanet 167848, MedGen C0878544, MONDO:0004994, HP:0001638. Inheritance: Various modes of inheritance.

gnomAD v4.1: 1 of 1,591,982 alleles (0.000063%); highest among the groups gnomAD compares: South Asian, 0.0011%; no homozygotes.

Submissions (2):

Color Diagnostics, LLC DBA Color Health
Classification: Uncertain significance for Cardiomyopathy. Last evaluated: 2024-03-06. Review status: criteria provided, single submitter. Criteria: ACMG Guidelines, 2015. Collection method: clinical testing. Allele origin: germline.
Comment: This missense variant replaces aspartic acid with glycine at codon 4446 of the RYR2 protein. Computational prediction suggests that this variant may not impact protein structure and function (internally defined REVEL score threshold <= 0.5, PMID: 27666373). To our knowledge, functional studies have not been reported for this variant. This variant has not been reported in individuals affected with cardiovascular disorders in the literature. This variant has not been identified in the general population by the Genome Aggregation Database (gnomAD). The available evidence is insufficient to determine the role of this variant in disease conclusively. Therefore, this variant is classified as a Variant of Uncertain Significance.

Labcorp Genetics (formerly Invitae), Labcorp
Classification: Uncertain significance for Catecholaminergic polymorphic ventricular tachycardia 1. Last evaluated: 2021-04-14. Review status: criteria provided, single submitter. Criteria: Invitae Variant Classification Sherloc (09022015). Collection method: clinical testing. Allele origin: germline.
Comment: This variant has not been reported in the literature in individuals with RYR2-related conditions. This variant is not present in population databases (ExAC no frequency). This sequence change replaces aspartic acid with glycine at codon 4446 of the RYR2 protein (p.Asp4446Gly). The aspartic acid residue is highly conserved and there is a moderate physicochemical difference between aspartic acid and glycine. Advanced modeling of protein sequence and biophysical properties (such as structural, functional, and spatial information, amino acid conservation, physicochemical variation, residue mobility, and thermodynamic stability) performed at Invitae indicates that this missense variant is not expected to disrupt RYR2 protein function. In summary, the available evidence is currently insufficient to determine the role of this variant in disease. Therefore, it has been classified as a Variant of Uncertain Significance. Algorithms developed to predict the effect of sequence changes on RNA splicing suggest that this variant may create or strengthen a splice site, but this prediction has not been confirmed by published transcriptional studies.

NM_001035.3(RYR2):c.13337A>G (p.Asp4446Gly)

Gene: RYR2 (ryanodine receptor 2; plus strand). Cytogenetic location: 1q43.
Variant type: single nucleotide variant.
Coding change: c.13337A>G on transcript NM_001035.3 (MANE Select); coding-DNA position 13337, A replaced by G.
Protein change: p.Asp4446Gly; replaces aspartic acid 4446 with glycine.
Molecular consequence: missense variant.
Genome position (GRCh38, 1-based): chr1:237,787,996, A>G. VCF-style: chr1-237787996-A-G. GRCh37 (hg19) VCF-style: chr1-237951296-A-G.
Other names: short protein forms D4446G.
Identifiers: ClinVar variation 1347302 (VCV001347302.9), dbSNP rs2149367007, ClinGen allele CA345416366.